The following is an entry in ClinVar:

ClinVar aggregate classification (germline): Likely benign (1 of 4 stars; one submission).

gnomAD v4.1: 1 of 1,608,542 alleles (0.000062%); highest among the groups gnomAD compares: Admixed American, 0.0017%; no homozygotes.

Submission:

CeGaT Center for Human Genetics Tuebingen
Classification: Likely benign. Last evaluated: 2025-11-01. Review status: criteria provided, single submitter. Criteria: CeGaT Center For Human Genetics Tuebingen Variant Classification Criteria Version 2. Collection method: clinical testing. Allele origin: germline. Affected: yes. Observed: 1 variant allele.
Comment: KCNA3: BP4, BP7

NM_002232.5(KCNA3):c.276A>G (p.Ser92=)

Gene: KCNA3 (potassium voltage-gated channel subfamily A member 3; minus strand). Cytogenetic location: 1p13.3.
Variant type: single nucleotide variant.
Coding change: c.276A>G on transcript NM_002232.5 (MANE Select); coding-DNA position 276, A replaced by G.
Protein change: p.Ser92=; no amino-acid change (serine 92 retained).
Molecular consequence: synonymous variant.
Genome position (GRCh38, 1-based): chr1:110,674,534, T>C on the plus strand (A>G on the coding strand, the complement: KCNA3 is on the minus strand). VCF-style: chr1-110674534-T-C. GRCh37 (hg19) VCF-style: chr1-111217156-T-C.
Identifiers: ClinVar variation 4533664 (VCV004533664.6).